The following is an entry in ClinVar:

NM_015335.5(MED13L):c.786T>A (p.Asp262Glu)

Gene: MED13L (mediator complex subunit 13L; minus strand). Cytogenetic location: 12q24.21.
Variant type: single nucleotide variant.
Coding change: c.786T>A on transcript NM_015335.5 (MANE Select); coding-DNA position 786, T replaced by A.
Protein change: p.Asp262Glu; replaces aspartic acid 262 with glutamic acid.
Molecular consequence: missense variant.
Genome position (GRCh38, 1-based): chr12:116,019,812, A>T on the plus strand (T>A on the coding strand, the complement: MED13L is on the minus strand). VCF-style: chr12-116019812-A-T. GRCh37 (hg19) VCF-style: chr12-116457617-A-T.
Other names: short protein forms D262E.
Identifiers: ClinVar variation 4803294 (VCV004803294.1).

ClinVar aggregate classification (germline): Uncertain significance (1 of 4 stars; one submission).

Conditions:
Dextro-looped transposition of the great arteries. Also called: Dextrotransposition of the great arteries. Identifiers: Orphanet 860, MedGen C3531771, MONDO:0019443, OMIM 608808, HP:0031348.

Submission:

Labcorp Genetics (formerly Invitae), Labcorp
Classification: Uncertain significance for Dextro-looped transposition of the great arteries. Last evaluated: 2025-06-22. Review status: criteria provided, single submitter. Criteria: Invitae Variant Classification Sherloc (09022015). Collection method: clinical testing. Allele origin: germline.
Comment: This sequence change replaces aspartic acid, which is acidic and polar, with glutamic acid, which is acidic and polar, at codon 262 of the MED13L protein (p.Asp262Glu). This variant is not present in population databases (gnomAD no frequency). This variant has not been reported in the literature in individuals affected with MED13L-related conditions. Invitae Evidence Modeling of protein sequence and biophysical properties (such as structural, functional, and spatial information, amino acid conservation, physicochemical variation, residue mobility, and thermodynamic stability) indicates that this missense variant is not expected to disrupt MED13L protein function with a negative predictive value of 80%. In summary, the available evidence is currently insufficient to determine the role of this variant in disease. Therefore, it has been classified as a Variant of Uncertain Significance.